The following is an entry in ClinVar:

NM_001037.5(SCN1B):c.*527T>C

Gene: SCN1B (sodium voltage-gated channel beta subunit 1; plus strand). Cytogenetic location: 19q13.11.
Variant type: single nucleotide variant.
Coding change: c.*527T>C on transcript NM_001037.5 (MANE Select); 527 bases downstream of the stop codon, T replaced by C.
Molecular consequence: 3 prime UTR variant.
Genome position (GRCh38, 1-based): chr19:35,040,318, T>C. VCF-style: chr19-35040318-T-C. GRCh37 (hg19) VCF-style: chr19-35531222-T-C.
Other names: c.*527T>C (NM_001321605.2).
Identifiers: ClinVar variation 891610 (VCV000891610.8), dbSNP rs41275828, ClinGen allele CA14688300.

ClinVar aggregate classification (germline): Benign/Likely benign. Review status: criteria provided, multiple submitters, no conflicts (2 of 4 stars). 4 submissions from 3 submitters: Benign (2); Likely benign (2). Last evaluated 2021-05-16.

Conditions:
Brugada syndrome 5 (BRGDA5). Identifiers: Orphanet 130, Orphanet 871, MedGen C2748541, MONDO:0013015, OMIM 612838.
Generalized epilepsy with febrile seizures plus, type 1 (GEFSP1). Also called: GEFS+, TYPE 1. Identifiers: Orphanet 36387, MedGen C1858672, MONDO:0011416, OMIM 604233.

Allele frequency attached by ClinVar (database versions not stated): 1000 Genomes Project 0.01258; 1000 Genomes Project 30x 0.01280; gnomAD exomes 0.02228; TOPMed 0.02325.
gnomAD v4.1: 4,431 of 167,786 alleles (2.6%); highest among the groups gnomAD compares: Non-Finnish European, 3.5%; 92 homozygotes.

Submissions (4):

GeneDx
Classification: Benign. Last evaluated: 2021-05-16. Review status: criteria provided, single submitter. Criteria: GeneDx Variant Classification Process June 2021. Collection method: clinical testing. Allele origin: germline. Affected: yes.

Illumina Laboratory Services, Illumina
Classification: Likely benign for Generalized epilepsy with febrile seizures plus, type 1. Last evaluated: 2018-01-12. Review status: criteria provided, single submitter. Criteria: ICSL Variant Classification Criteria 13 December 2019. Collection method: clinical testing. Allele origin: germline.
Comment: This variant was observed in the ICSL laboratory as part of a predisposition screen in an ostensibly healthy population. It had not been previously curated by ICSL or reported in the Human Gene Mutation Database (HGMD: prior to June 1st, 2018), and was therefore a candidate for classification through an automated scoring system. Utilizing variant allele frequency, disease prevalence and penetrance estimates, and inheritance mode, an automated score was calculated to assess if this variant is too frequent to cause the disease. Based on the score and internal cut-off values, a variant classified as likely benign is not then subjected to further curation. The score for this variant resulted in a classification of likely benign for this disease.

Illumina Laboratory Services, Illumina
Classification: Benign for Brugada syndrome 5. Last evaluated: 2018-01-12. Review status: criteria provided, single submitter. Criteria: ICSL Variant Classification Criteria 13 December 2019. Collection method: clinical testing. Allele origin: germline.
Comment: This variant was observed in the ICSL laboratory as part of a predisposition screen in an ostensibly healthy population. It had not been previously curated by ICSL or reported in the Human Gene Mutation Database (HGMD: prior to June 1st, 2018), and was therefore a candidate for classification through an automated scoring system. Utilizing variant allele frequency, disease prevalence and penetrance estimates, and inheritance mode, an automated score was calculated to assess if this variant is too frequent to cause the disease. Based on the score and internal cut-off values, a variant classified as benign is not then subjected to further curation. The score for this variant resulted in a classification of benign for this disease.

Breakthrough Genomics
Classification: Likely benign. Review status: criteria provided, single submitter. Criteria: ACMG Guidelines, 2015. Collection method: not provided. Allele origin: germline. Inheritance: Autosomal recessive inheritance. Affected: yes.